The following is an entry in ClinVar:

NM_003072.5(SMARCA4):c.4677C>T (p.Ser1559=)

Gene: SMARCA4 (SWI/SNF related BAF chromatin remodeling complex subunit ATPase 4; plus strand). Cytogenetic location: 19p13.2.
Variant type: single nucleotide variant.
Coding change: c.4677C>T on transcript NM_003072.5 (MANE Select); coding-DNA position 4677, C replaced by T.
Protein change: p.Ser1559=; no amino-acid change (serine 1559 retained).
Molecular consequence: synonymous variant. On other transcripts: non-coding transcript variant (1).
Genome position (GRCh38, 1-based): chr19:11,059,794, C>T. VCF-style: chr19-11059794-C-T. GRCh37 (hg19) VCF-style: chr19-11170470-C-T.
Other names: c.4677C>T, p.Ser1559= (NM_001128844.3); c.4587C>T, p.Ser1529= (NM_001128845.2); c.4584C>T, p.Ser1528= (NM_001128846.2); c.4578C>T, p.Ser1526= (NM_001128847.4, NM_001374457.1); c.4575C>T, p.Ser1525= (NM_001128848.2); c.4773C>T, p.Ser1591= (NM_001128849.3, NM_001387283.1).
Identifiers: ClinVar variation 415118 (VCV000415118.38), dbSNP rs143683859, ClinGen allele CA9204823.

ClinVar aggregate classification (germline): Benign/Likely benign. Review status: criteria provided, multiple submitters, no conflicts (2 of 4 stars). 4 submissions from 4 submitters: Benign (1); Likely benign (3). Last evaluated 2026-07-23.

Conditions:
Hereditary cancer-predisposing syndrome. Also called: Hereditary Cancer Syndrome; Hereditary neoplastic syndrome; Neoplastic Syndromes, Hereditary; Tumor predisposition. Identifiers: Orphanet 140162, MedGen C0027672, MeSH D009386, MONDO:0015356.
Rhabdoid tumor predisposition syndrome 2 (RTPS2). Identifiers: Orphanet 231108, Orphanet 69077, MedGen C2750074, MONDO:0013224, OMIM 613325.

Allele frequency attached by ClinVar (database versions not stated): TOPMed 0.00002; gnomAD 0.00001; gnomAD exomes 0.00003; ExAC 0.00005; ESP Exome Variant Server 0.00015.
gnomAD v4.1: 39 of 1,606,038 alleles (0.0024%); highest among the groups gnomAD compares: Non-Finnish European, 0.003%; 1 homozygote.

Submissions (4):

Myriad Genetics, Inc.
Classification: Benign for Rhabdoid tumor predisposition syndrome 2. Last evaluated: 2026-07-23. Review status: criteria provided, single submitter. Criteria: Myriad Autosomal Dominant, Autosomal Recessive and X-Linked Classification Criteria (2023). Collection method: clinical testing. Allele origin: unknown.
Comment: This variant is considered benign. This variant is a silent/synonymous amino acid change and it is not expected to impact splicing.

Labcorp Genetics (formerly Invitae), Labcorp
Classification: Likely benign for Rhabdoid tumor predisposition syndrome 2. Last evaluated: 2026-01-27. Review status: criteria provided, single submitter. Criteria: Invitae Variant Classification Sherloc (09022015). Collection method: clinical testing. Allele origin: germline.

CeGaT Center for Human Genetics Tuebingen
Classification: Likely benign. Last evaluated: 2023-12-01. Review status: criteria provided, single submitter. Criteria: CeGaT Center For Human Genetics Tuebingen Variant Classification Criteria Version 2. Collection method: clinical testing. Allele origin: germline. Affected: yes. Observed: 1 variant allele.
Comment: SMARCA4: BP4, BP7

Ambry Genetics
Classification: Likely benign for Hereditary cancer-predisposing syndrome. Last evaluated: 2015-06-28. Review status: criteria provided, single submitter. Criteria: Ambry Variant Classification Scheme 2023. Collection method: clinical testing. Allele origin: germline.